The following is an entry in ClinVar:

ClinVar aggregate classification (germline): Conflicting classifications of pathogenicity. Review status: criteria provided, conflicting classifications (1 of 4 stars). 3 submissions from 3 submitters: Uncertain significance (2); Likely benign (1). Last evaluated 2025-12-15.

Conditions:
Inborn genetic diseases. Identifiers: MedGen C0950123, MeSH D030342.
Autosomal recessive limb-girdle muscular dystrophy type 2Y (MRRSDC). Also called: Muscular dystrophy, limb-girdle, type 2y; Muscular dystrophy, autosomal recessive, with rigid spine and distal joint contractures. Identifiers: Orphanet 424261, MedGen C4511482, MONDO:0014900, OMIM 617072.

gnomAD v4.1: 11 of 1,614,198 alleles (0.00068%); highest among the groups gnomAD compares: South Asian, 0.011%; no homozygotes.

Submissions (3):

Ambry Genetics
Classification: Likely benign for Inborn genetic diseases. Last evaluated: 2025-12-15. Review status: criteria provided, single submitter. Criteria: Ambry Variant Classification Scheme 2023. Collection method: clinical testing. Allele origin: germline.

Labcorp Genetics (formerly Invitae), Labcorp
Classification: Uncertain significance for Autosomal recessive limb-girdle muscular dystrophy type 2Y. Last evaluated: 2025-11-03. Review status: criteria provided, single submitter. Criteria: Invitae Variant Classification Sherloc (09022015). Collection method: clinical testing. Allele origin: germline.
Comment: This sequence change replaces proline, which is neutral and non-polar, with leucine, which is neutral and non-polar, at codon 116 of the TOR1AIP1 protein (p.Pro116Leu). This variant is present in population databases (rs533632977, gnomAD 0.02%). This variant has not been reported in the literature in individuals affected with TOR1AIP1-related conditions. An algorithm developed to predict the effect of missense changes on protein structure and function outputs the following: PolyPhen-2: "Benign". The leucine amino acid residue is found in multiple mammalian species, which suggests that this missense change does not adversely affect protein function. In summary, the available evidence is currently insufficient to determine the role of this variant in disease. Therefore, it has been classified as a Variant of Uncertain Significance.

Blueprint Genetics
Classification: Uncertain significance. Last evaluated: 2023-04-19. Review status: criteria provided, single submitter. Criteria: ACMG Guidelines, 2015. Collection method: clinical testing. Allele origin: germline.

NM_015602.4(TOR1AIP1):c.347C>T (p.Pro116Leu)

Genes: TOR1AIP1 (torsin 1A interacting protein 1; plus strand), LOC112577517 (Sharpr-MPRA regulatory region 13766; plus strand). Cytogenetic location: 1q25.2.
Variant type: single nucleotide variant.
Coding change: c.347C>T on transcript NM_015602.4 (MANE Select); coding-DNA position 347, C replaced by T.
Protein change: p.Pro116Leu; replaces proline 116 with leucine.
Molecular consequence: missense variant.
Genome position (GRCh38, 1-based): chr1:179,882,849, C>T. VCF-style: chr1-179882849-C-T. GRCh37 (hg19) VCF-style: chr1-179851984-C-T.
Other names: c.347C>T, p.Pro116Leu (NM_001267578.2); c.347C>T (NM_015602.2); short protein forms P116L.
Identifiers: ClinVar variation 4738132 (VCV004738132.3).